The following is an entry in ClinVar:

ClinVar aggregate classification (germline): Uncertain significance (1 of 4 stars; one submission).

Submission:

Dasa
Classification: Uncertain significance. Last evaluated: 2026-01-05. Review status: criteria provided, single submitter. Criteria: DASA Assertion Criteria. Collection method: clinical testing. Allele origin: germline.
Comment: NM_020879.3(CCDC146):c.2058dup (p.Ala687Cysfs*2) is a frameshift variant in CCDC146 predicted to alter the reading frame and introduce a premature termination codon. This variant is rare in population databases. The currently available literature and clinical evidence are not sufficient to establish a definitive association between this variant and the reported condition. Therefore, this variant is classified as a variant of uncertain significance.

NM_020879.3(CCDC146):c.2058dup (p.Ala687fs)

Gene: CCDC146 (coiled-coil domain containing 146; plus strand). Cytogenetic location: 7q11.23.
Variant type: Duplication.
Coding change: c.2058dup on transcript NM_020879.3 (MANE Select); coding-DNA position 2058, one base duplicated (T; older notation c.2058dupT).
Protein change: p.Ala687fs; shifts the reading frame from alanine 687.
Molecular consequence: frameshift variant.
Genome position (GRCh38, 1-based): chr7:77,282,695, T duplicated; the last of 2 consecutive T bases (chr7:77,282,694-77,282,695); duplicating either gives the same sequence. VCF-style (leftmost placement, unchanged base first): chr7-77282693-A-AT. GRCh37 (hg19) VCF-style: chr7-76912010-A-AT.
Other names: short protein forms A687fs.
Identifiers: ClinVar variation 4883865 (VCV004883865.2).